The following is an entry in ClinVar:

ClinVar aggregate classification (germline): Pathogenic (1 of 4 stars; one submission).

Submission:

GeneDx
Classification: Pathogenic. Last evaluated: 2024-12-04. Review status: criteria provided, single submitter. Criteria: GeneDx Variant Classification Process June 2021. Collection method: clinical testing. Allele origin: germline. Affected: yes.
Comment: Nonsense variant predicted to result in protein truncation or nonsense mediated decay in a gene for which loss of function is a known mechanism of disease; Not observed at significant frequency in large population cohorts (gnomAD); Also known as c.1059C>G, p.(Y353*); c.1278C>G, p.(Y426*); This variant is associated with the following publications: (PMID: 23403252)

NM_024426.6(WT1):c.1278C>G (p.Tyr426Ter)

Gene: WT1 (WT1 transcription factor; minus strand). Cytogenetic location: 11p13.
Variant type: single nucleotide variant.
Coding change: c.1278C>G on transcript NM_024426.6 (MANE Select); coding-DNA position 1278, C replaced by G.
Protein change: p.Tyr426Ter; replaces tyrosine 426 with a stop codon.
Molecular consequence: nonsense. On other transcripts: non-coding transcript variant (2), intron variant (1).
Genome position (GRCh38, 1-based): chr11:32,392,742, G>C on the plus strand (C>G on the coding strand, the complement: WT1 is on the minus strand). VCF-style: chr11-32392742-G-C. GRCh37 (hg19) VCF-style: chr11-32414288-G-C.
Other names: c.1227C>G, p.Tyr409Ter (NM_000378.6, NM_001407045.1, NM_001407049.1); c.627C>G, p.Tyr209Ter (NM_001198551.2); c.576C>G, p.Tyr192Ter (NM_001198552.2); c.90C>G, p.Tyr30Ter (NM_001367854.1); c.1272C>G, p.Tyr424Ter (NM_001407044.1); c.1278C>G, p.Tyr426Ter (NM_001407046.1, NM_024424.5); c.1155C>G, p.Tyr385Ter (NM_001407047.1); c.1104C>G, p.Tyr368Ter (NM_001407050.1); and 4 more; short protein forms Y172*, Y192*, Y209*, Y30*, Y336*, Y353*, Y368*, Y385*.
Identifiers: ClinVar variation 3901477 (VCV003901477.1).